The following is an entry in ClinVar:

NM_006231.4(POLE):c.4441C>T (p.Pro1481Ser)

Gene: POLE (DNA polymerase epsilon, catalytic subunit; minus strand). Cytogenetic location: 12q24.33.
Variant type: single nucleotide variant.
Coding change: c.4441C>T on transcript NM_006231.4 (MANE Select); coding-DNA position 4441, C replaced by T.
Protein change: p.Pro1481Ser; replaces proline 1481 with serine.
Molecular consequence: missense variant.
Genome position (GRCh38, 1-based): chr12:132,643,410, G>A on the plus strand (C>T on the coding strand, the complement: POLE is on the minus strand). VCF-style: chr12-132643410-G-A. GRCh37 (hg19) VCF-style: chr12-133219996-G-A.
Other names: short protein forms P1481S.
Identifiers: ClinVar variation 579052 (VCV000579052.13), dbSNP rs765477380, ClinGen allele CA6892858.
Genomic context (GRCh38, chr12:132,643,410, plus strand): 5'-CGTCACCCCAGATGTGTGGGAGGCAGGCACATGATGGGCGGCTGGTGCAGGCCATACCTG[G>A]TTCCAGGTAGCTGAACTGGGCCAGAGAGCGCATCTCCAGGTGCTCAAGAGCAAAGGTCTC-3'
Protein context (NP_006222.2, residues 1471-1491): RSLAQFSYLE[Pro1481Ser]GSIRHIYLYH

ClinVar aggregate classification (germline): Uncertain significance. Review status: criteria provided, multiple submitters, no conflicts (2 of 4 stars). 2 submissions from 2 submitters: Uncertain significance (2). Last evaluated 2024-07-25.

Conditions:
Hereditary cancer-predisposing syndrome. Also called: Neoplastic Syndromes, Hereditary; Tumor predisposition; Hereditary neoplastic syndrome; Hereditary Cancer Syndrome. Identifiers: Orphanet 140162, MedGen C0027672, MeSH D009386, MONDO:0015356.

Allele frequency attached by ClinVar (database versions not stated): gnomAD exomes below 0.00001; ExAC 0.00001.
gnomAD v4.1: 7 of 1,614,236 alleles (0.00043%); highest among the groups gnomAD compares: Non-Finnish European, 0.00051%; no homozygotes.

Submissions (2):

Labcorp Genetics (formerly Invitae), Labcorp
Classification: Uncertain significance. Last evaluated: 2024-07-25. Review status: criteria provided, single submitter. Criteria: Invitae Variant Classification Sherloc (09022015). Collection method: clinical testing. Allele origin: germline.
Comment: This sequence change replaces proline, which is neutral and non-polar, with serine, which is neutral and polar, at codon 1481 of the POLE protein (p.Pro1481Ser). This variant is present in population databases (rs765477380, gnomAD 0.0009%). This variant has not been reported in the literature in individuals affected with POLE-related conditions. ClinVar contains an entry for this variant (Variation ID: 579052). Advanced modeling of protein sequence and biophysical properties (such as structural, functional, and spatial information, amino acid conservation, physicochemical variation, residue mobility, and thermodynamic stability) performed at Invitae indicates that this missense variant is not expected to disrupt POLE protein function with a negative predictive value of 80%. In summary, the available evidence is currently insufficient to determine the role of this variant in disease. Therefore, it has been classified as a Variant of Uncertain Significance.

Ambry Genetics
Classification: Uncertain significance for Hereditary cancer-predisposing syndrome. Last evaluated: 2024-06-08. Review status: criteria provided, single submitter. Criteria: Ambry Variant Classification Scheme 2023. Collection method: clinical testing. Allele origin: germline.
Comment: The p.P1481S variant (also known as c.4441C>T), located in coding exon 34 of the POLE gene, results from a C to T substitution at nucleotide position 4441. The proline at codon 1481 is replaced by serine, an amino acid with similar properties. This amino acid position is conserved. In addition, the in silico prediction for this alteration is inconclusive. Since supporting evidence is limited at this time, the clinical significance of this alteration remains unclear.